The following is an entry in ClinVar:

ClinVar aggregate classification (germline): Uncertain significance (1 of 4 stars; one submission).

Submission:

GeneDx
Classification: Uncertain significance. Last evaluated: 2025-06-25. Review status: criteria provided, single submitter. Criteria: GeneDx Variant Classification Process June 2021. Collection method: clinical testing. Allele origin: germline. Affected: yes.
Comment: In silico analysis supports that this missense variant has a deleterious effect on protein structure/function; Has not been previously published as pathogenic or benign to our knowledge

NM_000827.4(GRIA1):c.379C>T (p.Pro127Ser)

Gene: GRIA1 (glutamate ionotropic receptor AMPA type subunit 1; plus strand). Cytogenetic location: 5q33.2.
Variant type: single nucleotide variant.
Coding change: c.379C>T on transcript NM_000827.4 (MANE Select); coding-DNA position 379, C replaced by T.
Protein change: p.Pro127Ser; replaces proline 127 with serine.
Molecular consequence: missense variant. On other transcripts: non-coding transcript variant (2), intron variant (1).
Genome position (GRCh38, 1-based): chr5:153,647,086, C>T. VCF-style: chr5-153647086-C-T. GRCh37 (hg19) VCF-style: chr5-153026646-C-T.
Other names: c.379C>T, p.Pro127Ser (NM_001114183.2, NM_001364165.2); c.94C>T, p.Pro32Ser (NM_001258020.2); c.409C>T, p.Pro137Ser (NM_001258021.2, NM_001258022.2); c.172C>T, p.Pro58Ser (NM_001258023.1, NM_001364167.2); c.406C>T, p.Pro136Ser (NM_001364166.2); c.221-3244C>T (NM_001258019.2); short protein forms P127S, P136S, P137S, P32S, P58S.
Identifiers: ClinVar variation 4680984 (VCV004680984.1).
Genomic context (GRCh38, chr5:153,647,086, plus strand): 5'-TGCTTCATTACGCCGAGCTTTCCCGTTGATACATCCAATCAGTTTGTCCTTCAGCTGCGC[C>T]CTGAACTGCAGGATGCCCTCATCAGCATCATTGACCATTACAAGTGGCAGAAATTTGTCT-3'
Protein context (NP_000818.2, residues 117-137): TSNQFVLQLR[Pro127Ser]ELQDALISII